The following is an entry in ClinVar:

NM_001267550.2(TTN):c.42382G>A (p.Gly14128Ser)

Gene: TTN (titin; minus strand). Cytogenetic location: 2q31.2.
Variant type: single nucleotide variant.
Coding change: c.42382G>A on transcript NM_001267550.2 (MANE Select); coding-DNA position 42382, G replaced by A.
Protein change: p.Gly14128Ser; replaces glycine 14128 with serine.
Molecular consequence: missense variant.
Genome position (GRCh38, 1-based): chr2:178,634,399, C>T on the plus strand (G>A on the coding strand, the complement: TTN is on the minus strand). VCF-style: chr2-178634399-C-T. GRCh37 (hg19) VCF-style: chr2-179499126-C-T.
Other names: c.37459G>A, p.Gly12487Ser (NM_001256850.1); c.15187G>A, p.Gly5063Ser (NM_003319.4); c.34678G>A, p.Gly11560Ser (NM_133378.4); c.15562G>A, p.Gly5188Ser (NM_133432.3); c.15763G>A, p.Gly5255Ser (NM_133437.4); c.42382G>A (NM_001267550.1); short protein forms G14128S, G12487S, G5188S, G11560S, G5063S, G5255S.
Identifiers: ClinVar variation 467144 (VCV000467144.7), dbSNP rs1553743503, ClinGen allele CA349654968.
Genomic context (GRCh38, chr2:178,634,399, plus strand): 5'-TGTCACAGATCTCATTAGCTCGCTTACCTGTGACAAACAACCGAGCTGAGGTCTTCTTGC[C>T]CTCCACCTCAGCAGTATAGACCCCTTCATCATCAAATTGAGAATCATTAATAACAAGAAT-3'
Protein context (NP_001254479.2, residues 14118-14138): DEGVYTAEVE[Gly14128Ser]KKTSARLFVT

ClinVar aggregate classification (germline): Uncertain significance. Review status: criteria provided, multiple submitters, no conflicts (2 of 4 stars). 3 submissions from 3 submitters: Uncertain significance (3). Last evaluated 2024-11-20.

Conditions:
Autosomal recessive limb-girdle muscular dystrophy type 2J (LGMDR10). Also called: Limb-girdle muscular dystrophy, type 2J; MUSCULAR DYSTROPHY, LIMB-GIRDLE, AUTOSOMAL RECESSIVE 10. Identifiers: Orphanet 140922, MedGen C1837342, MONDO:0012127, OMIM 608807.
Dilated cardiomyopathy 1G (CMD1G). Identifiers: Orphanet 154, MedGen C1858763, MONDO:0011400, OMIM 604145.

Submissions (3):

GeneDx
Classification: Uncertain significance. Last evaluated: 2024-11-20. Review status: criteria provided, single submitter. Criteria: GeneDx Variant Classification Process June 2021. Collection method: clinical testing. Allele origin: germline. Affected: yes.
Comment: Not observed at significant frequency in large population cohorts (gnomAD); Missense variant in a gene in which most reported pathogenic variants are truncating/loss of function; Has not been previously published as pathogenic or benign to our knowledge

Revvity Omics, Revvity
Classification: Uncertain significance. Last evaluated: 2019-03-27. Review status: criteria provided, single submitter. Criteria: ACMG Guidelines, 2015. Collection method: clinical testing. Allele origin: germline.

Labcorp Genetics (formerly Invitae), Labcorp
Classification: Uncertain significance for Dilated cardiomyopathy 1G; Autosomal recessive limb-girdle muscular dystrophy type 2J. Last evaluated: 2017-04-14. Review status: criteria provided, single submitter. Criteria: Invitae Variant Classification Sherloc (09022015). Collection method: clinical testing. Allele origin: germline.